The following is an entry in ClinVar:

NM_001034853.2(RPGR):c.2557G>A (p.Glu853Lys)

Gene: RPGR (retinitis pigmentosa GTPase regulator; minus strand). Cytogenetic location: Xp11.4.
Variant type: single nucleotide variant.
Coding change: c.2557G>A on transcript NM_001034853.2 (MANE Select); coding-DNA position 2557, G replaced by A.
Protein change: p.Glu853Lys; replaces glutamic acid 853 with lysine.
Molecular consequence: missense variant. On other transcripts: intron variant (8).
Genome position (GRCh38, 1-based): chrX:38,286,442, C>T on the plus strand (G>A on the coding strand, the complement: RPGR is on the minus strand). VCF-style: chrX-38286442-C-T. GRCh37 (hg19) VCF-style: chrX-38145695-C-T.
Other names: c.1569+4517G>A (NM_001367249.1, NM_001367250.1); c.1902+652G>A (NM_001367245.1); c.1386+4517G>A (NM_001367251.1); c.1719+652G>A (NM_001367246.1); c.1572+4517G>A (NM_001367247.1); c.1905+652G>A (NM_000328.3); c.1602+4517G>A (NM_001367248.1); short protein forms E853K.
Identifiers: ClinVar variation 2152920 (VCV002152920.5), dbSNP rs756933299, ClinGen allele CA10385269.

ClinVar aggregate classification (germline): Uncertain significance. Review status: criteria provided, single submitter (1 of 4 stars). 2 submissions from 2 submitters: Uncertain significance (1). 1 of the submissions does not count toward it. Last evaluated 2025-06-16.

Conditions:
Retinal dystrophy. Also called: Inherited retinal dystrophy. Identifiers: Orphanet 71862, MedGen C0854723, MeSH D058499, MONDO:0019118, HP:0000556.
Primary ciliary dyskinesia. Also called: Ciliary dyskinesia. Identifiers: Orphanet 244, MedGen C0008780, MONDO:0016575, HP:0012265.

Allele frequency attached by ClinVar (database versions not stated): ExAC 0.00018; gnomAD exomes below 0.00001.
gnomAD v4.1: 3 of 936,499 alleles (0.00032%); highest among the groups gnomAD compares: Non-Finnish European, 0.0004%; no homozygotes.

Submissions (2):

Labcorp Genetics (formerly Invitae), Labcorp
Classification: Uncertain significance for Primary ciliary dyskinesia. Last evaluated: 2025-06-16. Review status: criteria provided, single submitter. Criteria: Invitae Variant Classification Sherloc (09022015). Collection method: clinical testing. Allele origin: germline.
Comment: This sequence change replaces glutamic acid, which is acidic and polar, with lysine, which is basic and polar, at codon 853 of the RPGR (ORF15) protein (p.Glu853Lys). The frequency data for this variant in the population databases is considered unreliable, as metrics indicate poor data quality at this position in the gnomAD database. This variant has not been reported in the literature in individuals affected with RPGR (ORF15)-related conditions. ClinVar contains an entry for this variant (Variation ID: 2152920). Invitae Evidence Modeling of protein sequence and biophysical properties (such as structural, functional, and spatial information, amino acid conservation, physicochemical variation, residue mobility, and thermodynamic stability) indicates that this missense variant is not expected to disrupt RPGR (ORF15) protein function with a negative predictive value of 95%. In summary, the available evidence is currently insufficient to determine the role of this variant in disease. Therefore, it has been classified as a Variant of Uncertain Significance.

Institute of Human Genetics, Univ. Regensburg, Univ. Regensburg
Classification: Uncertain significance for Retinal dystrophy. Last evaluated: 2023-01-01. Review status: no assertion criteria provided. Criteria: ACMG Guidelines, 2015. Collection method: clinical testing. Allele origin: germline. Affected: yes. Not counted in ClinVar's aggregate classification.